The following is an entry in ClinVar:

ClinVar aggregate classification (germline): Uncertain significance. Review status: criteria provided, multiple submitters, no conflicts (2 of 4 stars). 2 submissions from 2 submitters: Uncertain significance (2). Last evaluated 2024-02-24.

Conditions:
Fanconi anemia complementation group E (FANCE). Also called: FANCE-Related Fanconi Anemia. Identifiers: Orphanet 84, MedGen C3160739, MONDO:0010953, OMIM 600901.

Allele frequency attached by ClinVar (database versions not stated): gnomAD exomes below 0.00001; ExAC 0.00001.

Submissions (2):

Labcorp Genetics (formerly Invitae), Labcorp
Classification: Uncertain significance for Fanconi anemia complementation group E. Last evaluated: 2024-02-24. Review status: criteria provided, single submitter. Criteria: Invitae Variant Classification Sherloc (09022015). Collection method: clinical testing. Allele origin: germline.
Comment: This sequence change falls in intron 5 of the FANCE gene. It does not directly change the encoded amino acid sequence of the FANCE protein. It affects a nucleotide within the consensus splice site. This variant is present in population databases (rs764119752, gnomAD 0.0009%). This variant has not been reported in the literature in individuals affected with FANCE-related conditions. ClinVar contains an entry for this variant (Variation ID: 905131). Variants that disrupt the consensus splice site are a relatively common cause of aberrant splicing (PMID: 17576681, 9536098). Algorithms developed to predict the effect of sequence changes on RNA splicing suggest that this variant may disrupt the consensus splice site. In summary, the available evidence is currently insufficient to determine the role of this variant in disease. Therefore, it has been classified as a Variant of Uncertain Significance.

Illumina Laboratory Services, Illumina
Classification: Uncertain significance for Fanconi anemia complementation group E. Last evaluated: 2018-01-13. Review status: criteria provided, single submitter. Criteria: ICSL Variant Classification Criteria 13 December 2019. Collection method: clinical testing. Allele origin: germline.

Literature cited by the submitters: PubMed 17576681 (cited by Labcorp Genetics (formerly Invitae), Labcorp); PubMed 9536098 (cited by Labcorp Genetics (formerly Invitae), Labcorp).

NM_021922.3(FANCE):c.1113+6T>C

Gene: FANCE (FA complementation group E; plus strand). Cytogenetic location: 6p21.31.
Variant type: single nucleotide variant.
Coding change: c.1113+6T>C on transcript NM_021922.3 (MANE Select); 6 bases into the intron after coding-DNA position 1113, T replaced by C.
Molecular consequence: intron variant.
Genome position (GRCh38, 1-based): chr6:35,458,446, T>C. VCF-style: chr6-35458446-T-C. GRCh37 (hg19) VCF-style: chr6-35426223-T-C.
Identifiers: ClinVar variation 905131 (VCV000905131.9), dbSNP rs764119752, ClinGen allele CA3771598.